The following is an entry in ClinVar:

NM_000878.5(IL2RB):c.886C>T (p.His296Tyr)

Gene: IL2RB (interleukin 2 receptor subunit beta; minus strand). Cytogenetic location: 22q12.3.
Variant type: single nucleotide variant.
Coding change: c.886C>T on transcript NM_000878.5 (MANE Select); coding-DNA position 886, C replaced by T.
Protein change: p.His296Tyr; replaces histidine 296 with tyrosine.
Molecular consequence: missense variant.
Genome position (GRCh38, 1-based): chr22:37,132,401, G>A on the plus strand (C>T on the coding strand, the complement: IL2RB is on the minus strand). VCF-style: chr22-37132401-G-A. GRCh37 (hg19) VCF-style: chr22-37528441-G-A.
Other names: c.886C>T, p.His296Tyr (NM_001346222.1, NM_001346223.2); short protein forms H296Y.
Identifiers: ClinVar variation 2092804 (VCV002092804.3), dbSNP rs1216527074, ClinGen allele CA411426464.

ClinVar aggregate classification (germline): Uncertain significance (1 of 4 stars; one submission).

Allele frequency attached by ClinVar (database versions not stated): gnomAD exomes below 0.00001; TOPMed below 0.00001; gnomAD 0.00001.
gnomAD v4.1: 6 of 1,613,880 alleles (0.00037%); highest among the groups gnomAD compares: East Asian, 0.0022%; no homozygotes.

Submission:

Labcorp Genetics (formerly Invitae), Labcorp
Classification: Uncertain significance. Last evaluated: 2022-03-19. Review status: criteria provided, single submitter. Criteria: Invitae Variant Classification Sherloc (09022015). Collection method: clinical testing. Allele origin: germline.
Comment: Algorithms developed to predict the effect of missense changes on protein structure and function output the following: SIFT: "Tolerated"; PolyPhen-2: "Possibly Damaging"; Align-GVGD: "Class C0". The tyrosine amino acid residue is found in multiple mammalian species, which suggests that this missense change does not adversely affect protein function. In summary, the available evidence is currently insufficient to determine the role of this variant in disease. Therefore, it has been classified as a Variant of Uncertain Significance. This variant has not been reported in the literature in individuals affected with IL2RB-related conditions. This variant is present in population databases (no rsID available, gnomAD 0.002%). This sequence change replaces histidine, which is basic and polar, with tyrosine, which is neutral and polar, at codon 296 of the IL2RB protein (p.His296Tyr).